The following is an entry in ClinVar:

ClinVar aggregate classification (germline): Uncertain significance (1 of 4 stars; one submission).

Conditions:
Primary ciliary dyskinesia. Also called: Ciliary dyskinesia. Identifiers: Orphanet 244, MedGen C0008780, MONDO:0016575, HP:0012265.

gnomAD v4.1: 225 of 152,320 alleles (0.15%); highest among the groups gnomAD compares: Non-Finnish European, 0.15%; no homozygotes.

Submission:

Department of Human Genetics, Hannover Medical School
Classification: Uncertain significance for Primary Ciliary Dyskinesia. Last evaluated: 2026-04-01. Review status: criteria provided, single submitter. Criteria: ACMG Guidelines, 2015. Collection method: research. Allele origin: germline. Affected: no.
Comment: Classification performed by HerediClassify using the following criteria:['PM1_supporting: Variant in mutational hotspot.', 'PM2_supporting: Variant occures does not occur as homozygous in gnomAD.', "PP4_moderate: The modified PICADAR socre of 4.0 exceeds threshold of 3 achieving 'moderate' evidence strength."]

NM_018365.4(MNS1):c.1012-3257T>C

Genes: MNS1 (meiosis specific nuclear structural 1; minus strand), TEX9 (testis expressed 9; plus strand). Cytogenetic location: 15q21.3.
Variant type: single nucleotide variant.
Coding change: c.1012-3257T>C on transcript NM_018365.4 (MANE Select); 3257 bases into the intron before coding-DNA position 1012, T replaced by C.
Molecular consequence: intron variant.
Genome position (GRCh38, 1-based): chr15:56,437,652, A>G on the plus strand (T>C on the coding strand, the complement: MNS1 is on the minus strand). VCF-style: chr15-56437652-A-G. GRCh37 (hg19) VCF-style: chr15-56729850-A-G.
Other names: c.*30-8019A>G (NM_001286449.2, NM_198524.3).
Identifiers: ClinVar variation 4880079 (VCV004880079.1).